The following is an entry in ClinVar:

ClinVar aggregate classification (germline): Benign/Likely benign. Review status: criteria provided, multiple submitters, no conflicts (2 of 4 stars). 8 submissions from 7 submitters: Benign (7); Likely benign (1). Last evaluated 2026-01-15.

Conditions:
Pierson syndrome. Also called: MICROCORIA-CONGENITAL NEPHROTIC SYNDROME. Identifiers: Orphanet 2670, MedGen C1836876, MONDO:0012184, OMIM 609049.
LAMB2-related infantile-onset nephrotic syndrome. Also called: Nephrotic Syndrome, type 5; NEPHROTIC SYNDROME, TYPE 5, WITHOUT OCULAR ABNORMALITIES; NEPHROTIC SYNDROME, TYPE 5, WITH OCULAR ABNORMALITIES. Identifiers: Orphanet 306507, MedGen C3280113, MONDO:0013621, OMIM 614199.

Allele frequency attached by ClinVar (database versions not stated): gnomAD exomes 0.00060 and 0.00160; ExAC 0.00201; gnomAD 0.00626 and 0.00663; ESP Exome Variant Server 0.00692; 1000 Genomes Project 0.00699; TOPMed 0.00705; 1000 Genomes Project 30x 0.00718.
gnomAD v4.1: 1,867 of 1,614,002 alleles (0.12%); highest among the groups gnomAD compares: African/African-American, 2.1%; 21 homozygotes.

Submissions (8):

Labcorp Genetics (formerly Invitae), Labcorp
Classification: Benign for LAMB2-related infantile-onset nephrotic syndrome; Pierson syndrome. Last evaluated: 2026-01-15. Review status: criteria provided, single submitter. Criteria: Invitae Variant Classification Sherloc (09022015). Collection method: clinical testing. Allele origin: germline.

CeGaT Center for Human Genetics Tuebingen
Classification: Benign. Last evaluated: 2026-01-01. Review status: criteria provided, single submitter. Criteria: CeGaT Center For Human Genetics Tuebingen Variant Classification Criteria Version 2. Collection method: clinical testing. Allele origin: germline. Affected: yes. Observed: 1 variant allele.
Comment: LAMB2: BP4, BS1, BS2

Genomic Medicine Center of Excellence, King Faisal Specialist Hospital and Research Centre
Classification: Likely benign. Last evaluated: 2025-08-18. Review status: criteria provided, single submitter. Criteria: ACMG Guidelines, 2015. Collection method: clinical testing. Allele origin: germline.

Mayo Clinic Laboratories, Mayo Clinic
Classification: Benign. Last evaluated: 2025-01-28. Review status: criteria provided, single submitter. Criteria: ACMG Guidelines, 2015. Collection method: clinical testing. Allele origin: germline. Observed: 5 variant alleles.
Comment: BS1, BS2, BP4

GeneDx
Classification: Benign. Last evaluated: 2020-03-10. Review status: criteria provided, single submitter. Criteria: GeneDx Variant Classification Process June 2021. Collection method: clinical testing. Allele origin: germline. Affected: yes.
Comment: This variant is associated with the following publications: (PMID: 23595123, 30013592)

Illumina Laboratory Services, Illumina
Classification: Benign for LAMB2-related infantile-onset nephrotic syndrome. Last evaluated: 2017-04-27. Review status: criteria provided, single submitter. Criteria: ICSL Variant Classification Criteria 13 December 2019. Collection method: clinical testing. Allele origin: germline.
Comment: This variant was observed as part of a predisposition screen in an ostensibly healthy population. A literature search was performed for the gene, cDNA change, and amino acid change (where applicable). Publications were found based on this search. The evidence from the literature, in combination with allele frequency data from public databases where available, was sufficient to rule this variant out of causing disease. Therefore, this variant is classified as benign.

Illumina Laboratory Services, Illumina
Classification: Benign for Pierson syndrome. Last evaluated: 2017-04-27. Review status: criteria provided, single submitter. Criteria: ICSL Variant Classification Criteria 13 December 2019. Collection method: clinical testing. Allele origin: germline.
Comment: This variant was observed as part of a predisposition screen in an ostensibly healthy population. A literature search was performed for the gene, cDNA change, and amino acid change (where applicable). No publications were found based on this search. Allele frequency data from public databases was too high to be consistent with this variant causing disease. Therefore, this variant is classified as benign.

Breakthrough Genomics
Classification: Benign. Review status: criteria provided, single submitter. Criteria: ACMG Guidelines, 2015. Collection method: not provided. Allele origin: germline. Inheritance: Autosomal recessive inheritance. Affected: yes.

Literature cited by the submitters: PubMed 23595123 (cited by Mayo Clinic Laboratories, Mayo Clinic and Illumina Laboratory Services, Illumina); PubMed 30013592 (cited by Mayo Clinic Laboratories, Mayo Clinic).

NM_002292.4(LAMB2):c.3443G>A (p.Arg1148His)

Gene: LAMB2 (laminin subunit beta 2; minus strand). Cytogenetic location: 3p21.31.
Variant type: single nucleotide variant.
Coding change: c.3443G>A on transcript NM_002292.4 (MANE Select); coding-DNA position 3443, G replaced by A.
Protein change: p.Arg1148His; replaces arginine 1148 with histidine.
Molecular consequence: missense variant.
Genome position (GRCh38, 1-based): chr3:49,124,082, C>T on the plus strand (G>A on the coding strand, the complement: LAMB2 is on the minus strand). VCF-style: chr3-49124082-C-T. GRCh37 (hg19) VCF-style: chr3-49161515-C-T.
Other names: p.Arg1148His; short protein forms R1148H.
Identifiers: ClinVar variation 472476 (VCV000472476.24), dbSNP rs138774635, ClinGen allele CA2394036.